The following is an entry in ClinVar:

ClinVar aggregate classification (germline): Conflicting classifications of pathogenicity. Review status: criteria provided, conflicting classifications (1 of 4 stars). 6 submissions from 6 submitters: Uncertain significance (5); Likely benign (1). Last evaluated 2026-01-15.

Conditions:
Hypertrophic cardiomyopathy 26. Also called: Cardiomyopathy, familial hypertrophic, 26. Identifiers: Orphanet 75249, MedGen C4310749, MONDO:0014883, OMIM 617047.
Myofibrillar myopathy 5. Also called: Filaminopathy (type); FILAMINOPATHY, AUTOSOMAL DOMINANT. Identifiers: Orphanet 171445, MedGen C1836050, MONDO:0012289, OMIM 609524.
Distal myopathy with posterior leg and anterior hand involvement. Also called: WILLIAMS DISTAL MYOPATHY. Identifiers: Orphanet 63273, MedGen C3279722, MONDO:0013550, OMIM 614065.
Cardiovascular phenotype. Identifiers: MedGen CN230736.

Allele frequency attached by ClinVar (database versions not stated): gnomAD 0.00001; TOPMed 0.00002; gnomAD exomes 0.00004 and 0.00006; ExAC 0.00006.

Submissions (6):

Labcorp Genetics (formerly Invitae), Labcorp
Classification: Likely benign for Distal myopathy with posterior leg and anterior hand involvement; Myofibrillar myopathy 5; Hypertrophic cardiomyopathy 26. Last evaluated: 2026-01-15. Review status: criteria provided, single submitter. Criteria: Invitae Variant Classification Sherloc (09022015). Collection method: clinical testing. Allele origin: germline.

Ambry Genetics
Classification: Uncertain significance for Cardiovascular phenotype. Last evaluated: 2025-10-08. Review status: criteria provided, single submitter. Criteria: Ambry Variant Classification Scheme 2023. Collection method: clinical testing. Allele origin: germline.
Comment: The p.R157H variant (also known as c.470G>A), located in coding exon 2 of the FLNC gene, results from a G to A substitution at nucleotide position 470. The arginine at codon 157 is replaced by histidine, an amino acid with highly similar properties. This amino acid position is not well conserved in available vertebrate species. In addition, this alteration is predicted to be tolerated by in silico analysis. Since supporting evidence is limited at this time, the clinical significance of this alteration remains unclear.

CeGaT Center for Human Genetics Tuebingen
Classification: Uncertain significance. Last evaluated: 2022-03-01. Review status: criteria provided, single submitter. Criteria: CeGaT Center For Human Genetics Tuebingen Variant Classification Criteria Version 2. Collection method: clinical testing. Allele origin: germline. Affected: yes. Observed: 1 variant allele.

Victorian Clinical Genetics Services, Murdoch Childrens Research Institute
Classification: Uncertain significance for Hypertrophic cardiomyopathy 26. Last evaluated: 2022-02-02. Review status: criteria provided, single submitter. Criteria: ACMG Guidelines, 2015. Collection method: clinical testing. Allele origin: germline. Inheritance: Autosomal dominant inheritance. Affected: yes.
Comment: Based on the classification scheme VCGS_Germline_v1.3.4, this variant is classified as VUS-3B. Following criteria are met: 0103 - Loss of function and gain of function are known mechanisms of disease in this gene. Loss of function is the established mechanism of disease for variants in dilated cardiomyopathy, hypertrophic cardiomyopathy, restrictive cardiomyopathy (MIM#617047) and myofibrillar myopathy (MIM#609524). In distal myopathy (MIM#614065), NMD-predicted variants cause a loss of function, however missense variants have been shown to result in a toxic gain of function (PMID: 32112656). (I) 0107 - This gene is associated with autosomal dominant disease (OMIM). (I) 0200 - Variant is predicted to result in a missense amino acid change from arginine to histidine. (I) 0251 - This variant is heterozygous. (I) 0302 - Variant is present in gnomAD (v2) <0.001 for a dominant condition (15 heterozygotes, 0 homozygotes). (SP) 0309 - An alternative amino acid change at the same position has been observed in gnomAD (v2) (8 heterozygotes, 0 homozygotes). (I) 0502 - Missense variant with conflicting in silico predictions and uninformative conservation. (I) 0604 - Variant is not located in an established domain, motif, hotspot or informative constraint region. (I) 0705 - No comparable missense variants have previous evidence for pathogenicity. However two alternative changes, p.(Arg157Cys) and p.(Arg157Gly), with stronger Grantham score have been reported as VUS (ClinVar). (I) 0809 - Previous evidence of pathogenicity for this variant is inconclusive. This variant has been reported as a VUS (ClinVar). (I) 0905 - No published segregation evidence has been identified for this variant. (I) 1007 - No published functional evidence has been identified for this variant. (I) 1208 - Inheritance information for this variant is not currently available in this individual. (I) Legend: (SP) - Supporting pathogenic, (I) - Information, (SB) - Supporting benign

Revvity Omics, Revvity
Classification: Uncertain significance. Last evaluated: 2021-08-19. Review status: criteria provided, single submitter. Criteria: ACMG Guidelines, 2015. Collection method: clinical testing. Allele origin: germline.

Fulgent Genetics
Classification: Uncertain significance for Myofibrillar myopathy 5; Distal myopathy with posterior leg and anterior hand involvement; Hypertrophic cardiomyopathy 26. Last evaluated: 2021-07-30. Review status: criteria provided, single submitter. Criteria: ACMG Guidelines, 2015. Collection method: clinical testing. Allele origin: unknown.

Literature cited by the submitters: PubMed 32112656 (cited by Victorian Clinical Genetics Services, Murdoch Childrens Research Institute).

NM_001458.5(FLNC):c.470G>A (p.Arg157His)

Gene: FLNC (filamin C; plus strand). Cytogenetic location: 7q32.1.
Variant type: single nucleotide variant.
Coding change: c.470G>A on transcript NM_001458.5 (MANE Select); coding-DNA position 470, G replaced by A.
Protein change: p.Arg157His; replaces arginine 157 with histidine.
Molecular consequence: missense variant.
Genome position (GRCh38, 1-based): chr7:128,835,443, G>A. VCF-style: chr7-128835443-G-A. GRCh37 (hg19) VCF-style: chr7-128475497-G-A.
Other names: c.470G>A, p.Arg157His (NM_001127487.2); short protein forms R157H.
Identifiers: ClinVar variation 660428 (VCV000660428.38), dbSNP rs752919962, ClinGen allele CA4474041.